The following is an entry in ClinVar:

ClinVar aggregate classification (germline): Uncertain significance (1 of 4 stars; one submission).

Conditions:
Menke-Hennekam syndrome 1 (MKHK1). Identifiers: MedGen C5193034, MONDO:0020763, OMIM 618332.

Submission:

Baylor Genetics
Classification: Uncertain significance for Menke-Hennekam syndrome 1. Last evaluated: 2019-12-24. Review status: criteria provided, single submitter. Criteria: ACMG Guidelines, 2015. Collection method: clinical testing. Allele origin: unknown. Affected: yes.
Comment: This variant was determined to be of uncertain significance according to ACMG Guidelines, 2015 [PMID:25741868].

NM_004380.3(CREBBP):c.1418C>T (p.Pro473Leu)

Gene: CREBBP (CREB binding protein; minus strand). Cytogenetic location: 16p13.3.
Variant type: single nucleotide variant.
Coding change: c.1418C>T on transcript NM_004380.3 (MANE Select); coding-DNA position 1418, C replaced by T.
Protein change: p.Pro473Leu; replaces proline 473 with leucine.
Molecular consequence: missense variant.
Genome position (GRCh38, 1-based): chr16:3,782,839, G>A on the plus strand (C>T on the coding strand, the complement: CREBBP is on the minus strand). VCF-style: chr16-3782839-G-A. GRCh37 (hg19) VCF-style: chr16-3832840-G-A.
Other names: c.1304C>T, p.Pro435Leu (NM_001079846.1); short protein forms P435L, P473L.
Identifiers: ClinVar variation 1029834 (VCV001029834.1), dbSNP rs1185619320, ClinGen allele CA394557815.